The following is an entry in ClinVar:

ClinVar aggregate classification (germline): Uncertain significance. Review status: criteria provided, multiple submitters, no conflicts (2 of 4 stars). 4 submissions from 4 submitters: Uncertain significance (4). Last evaluated 2025-08-10.

Conditions:
Hereditary cancer-predisposing syndrome. Also called: Neoplastic Syndromes, Hereditary; Tumor predisposition; Hereditary neoplastic syndrome; Hereditary Cancer Syndrome. Identifiers: Orphanet 140162, MedGen C0027672, MeSH D009386, MONDO:0015356.
Multiple endocrine neoplasia, type 2 (MEN2). Identifiers: Orphanet 653, MedGen C4048306, MONDO:0019003. Disease mechanism: gain of function.

gnomAD v4.1: 13 of 1,614,024 alleles (0.00081%); highest among the groups gnomAD compares: East Asian, 0.0022%; no homozygotes.

Submissions (4):

Labcorp Genetics (formerly Invitae), Labcorp
Classification: Uncertain significance for Multiple endocrine neoplasia, type 2. Last evaluated: 2025-08-10. Review status: criteria provided, single submitter. Criteria: Invitae Variant Classification Sherloc (09022015). Collection method: clinical testing. Allele origin: germline.
Comment: This sequence change affects codon 977 of the RET mRNA. It is a 'silent' change, meaning that it does not change the encoded amino acid sequence of the RET protein. This variant is present in population databases (rs375414982, gnomAD 0.006%). This variant has not been reported in the literature in individuals affected with RET-related conditions. ClinVar contains an entry for this variant (Variation ID: 579590). Algorithms developed to predict the effect of sequence changes on RNA splicing suggest that this variant may create or strengthen a splice site. In summary, the available evidence is currently insufficient to determine the role of this variant in disease. Therefore, it has been classified as a Variant of Uncertain Significance.

Color Diagnostics, LLC DBA Color Health
Classification: Uncertain significance for Multiple endocrine neoplasia, type 2. Last evaluated: 2025-06-17. Review status: criteria provided, single submitter. Criteria: ACMG Guidelines, 2015. Collection method: clinical testing. Allele origin: germline.
Comment: This synonymous variant causes a nucleotide substitution but does not change the encoded amino acid at codon 977 in the RET protein. Splice site prediction tools suggest that this variant may impact RNA splicing by creating a cryptic splice donor site. To our knowledge, this RNA prediction has not been tested in published RNA studies nor have functional studies been reported for this variant. This variant has not been reported in individuals affected with hereditary cancer in the literature. This variant has been identified in 3/251384 chromosomes in the general population by the Genome Aggregation Database (gnomAD). The available evidence is insufficient to determine the role of this variant in disease conclusively. Therefore, this variant is classified as a Variant of Uncertain Significance.

Ambry Genetics
Classification: Uncertain significance for Hereditary cancer-predisposing syndrome. Last evaluated: 2024-10-23. Review status: criteria provided, single submitter. Criteria: Ambry Variant Classification Scheme 2023. Collection method: clinical testing. Allele origin: germline.
Comment: The c.2931C>T variant (also known as p.S977S), located in coding exon 17 of the RET gene, results from a C to T substitution at nucleotide position 2931. This nucleotide substitution does not change the serine at codon 977. This nucleotide position is poorly conserved in available vertebrate species. However, in silico splice site analysis predicts that this alteration will result in the creation or strengthening of a novel splice donor site. Since supporting evidence is limited at this time, the clinical significance of this alteration remains unclear.

All of Us Research Program, National Institutes of Health
Classification: Uncertain significance for Multiple endocrine neoplasia, type 2. Last evaluated: 2023-02-24. Review status: criteria provided, single submitter. Criteria: ACMG Guidelines, 2015. Collection method: clinical testing. Allele origin: germline. Inheritance: Autosomal dominant inheritance. Observed: 1 variant allele, 1 heterozygote.
Comment: This synonymous variant causes a nucleotide substitution but does not change the encoded amino acid at codon 977 in the RET protein. Splice site prediction tools suggest that this variant may impact RNA splicing by creating a cryptic splice donor site. To our knowledge, this RNA prediction has not been tested in published RNA studies nor have functional studies been reported for this variant. This variant has not been reported in individuals affected with hereditary cancer in the literature. This variant has been identified in 3/251384 chromosomes in the general population by the Genome Aggregation Database (gnomAD). The available evidence is insufficient to determine the role of this variant in disease conclusively. Therefore, this variant is classified as a Variant of Uncertain Significance.

This study involves interpretation of variants in research participants for the purpose of population health screening. Participant phenotype was not available at the time of variant classification. Additional details can be found in publication PMID: 35346344, PMCID: PMC8962531

NM_020975.6(RET):c.2931C>T (p.Ser977=)

Gene: RET (ret proto-oncogene; plus strand). Cytogenetic location: 10q11.21.
Variant type: single nucleotide variant.
Coding change: c.2931C>T on transcript NM_020975.6 (MANE Select); coding-DNA position 2931, C replaced by T.
Protein change: p.Ser977=; no amino-acid change (serine 977 retained).
Molecular consequence: synonymous variant.
Genome position (GRCh38, 1-based): chr10:43,123,800, C>T. VCF-style: chr10-43123800-C-T. GRCh37 (hg19) VCF-style: chr10-43619248-C-T.
Other names: c.2931C>T, p.Ser977= (NM_000323.2, NM_001406743.1, NM_001406744.1 and 4 more transcripts); c.2169C>T, p.Ser723= (NM_001355216.2); c.2802C>T, p.Ser934= (NM_001406761.1, NM_001406762.1, NM_001406764.1); c.2796C>T, p.Ser932= (NM_001406763.1, NM_001406765.1); c.2643C>T, p.Ser881= (NM_001406766.1, NM_001406767.1, NM_001406770.1); c.2667C>T, p.Ser889= (NM_001406768.1); c.2535C>T, p.Ser845= (NM_001406769.1, NM_001406772.1); c.2493C>T, p.Ser831= (NM_001406771.1, NM_001406773.1); and 10 more.
Identifiers: ClinVar variation 579590 (VCV000579590.14), dbSNP rs375414982, ClinGen allele CA041481.